The following is an entry in ClinVar:

ClinVar aggregate classification (germline): Pathogenic (1 of 4 stars; one submission).

Conditions:
Alstrom syndrome (ALMS). Identifiers: Orphanet 64, MedGen C0268425, MONDO:0008763, OMIM 203800.

gnomAD v4.1: 1 of 1,614,072 alleles (0.000062%); highest among the groups gnomAD compares: Non-Finnish European, 0.000085%; no homozygotes.

Submission:

Labcorp Genetics (formerly Invitae), Labcorp
Classification: Pathogenic for Alstrom syndrome. Last evaluated: 2022-03-10. Review status: criteria provided, single submitter. Criteria: Invitae Variant Classification Sherloc (09022015). Collection method: clinical testing. Allele origin: germline.
Comment: For these reasons, this variant has been classified as Pathogenic. This sequence change creates a premature translational stop signal (p.Gln3356*) in the ALMS1 gene. It is expected to result in an absent or disrupted protein product. Loss-of-function variants in ALMS1 are known to be pathogenic (PMID: 17594715). This variant is not present in population databases (gnomAD no frequency). This variant has not been reported in the literature in individuals affected with ALMS1-related conditions.

Literature cited by the submitters: PubMed 17594715.

NM_001378454.1(ALMS1):c.10063C>T (p.Gln3355Ter)

Gene: ALMS1 (ALMS1 centrosome and basal body associated protein; plus strand). Cytogenetic location: 2p13.1.
Variant type: single nucleotide variant.
Coding change: c.10063C>T on transcript NM_001378454.1 (MANE Select); coding-DNA position 10063, C replaced by T.
Protein change: p.Gln3355Ter; replaces glutamine 3355 with a stop codon.
Molecular consequence: nonsense.
Genome position (GRCh38, 1-based): chr2:73,550,422, C>T. VCF-style: chr2-73550422-C-T. GRCh37 (hg19) VCF-style: chr2-73777549-C-T.
Other names: c.10066C>T, p.Gln3356Ter (NM_015120.4); short protein forms Q3355*, Q3356*.
Identifiers: ClinVar variation 2108433 (VCV002108433.4), dbSNP rs2466385968, ClinGen allele CA347272746.